The following is an entry in ClinVar:

ClinVar aggregate classification (germline): Uncertain significance (1 of 4 stars; one submission).

Conditions:
Charcot-Marie-Tooth disease type 2. Also called: Charcot-Marie-Tooth type 2. Identifiers: Orphanet 64746, MedGen C0270914, MONDO:0018993.

Allele frequency attached by ClinVar (database versions not stated): TOPMed 0.00001.
gnomAD v4.1: 2 of 1,613,766 alleles (0.00012%); highest among the groups gnomAD compares: Admixed American, 0.0033%; no homozygotes.

Submission:

Labcorp Genetics (formerly Invitae), Labcorp
Classification: Uncertain significance for Charcot-Marie-Tooth disease type 2. Last evaluated: 2024-10-01. Review status: criteria provided, single submitter. Criteria: Invitae Variant Classification Sherloc (09022015). Collection method: clinical testing. Allele origin: germline.
Comment: This sequence change affects codon 320 of the BSCL2 mRNA. It is a 'silent' change, meaning that it does not change the encoded amino acid sequence of the BSCL2 protein. It affects a nucleotide within the consensus splice site. This variant is present in population databases (no rsID available, gnomAD 0.003%). This variant has not been reported in the literature in individuals affected with BSCL2-related conditions. ClinVar contains an entry for this variant (Variation ID: 2024913). Algorithms developed to predict the effect of sequence changes on RNA splicing suggest that this variant may disrupt the consensus splice site. In summary, the available evidence is currently insufficient to determine the role of this variant in disease. Therefore, it has been classified as a Variant of Uncertain Significance.

NM_001122955.4(BSCL2):c.1152A>G (p.Thr384=)

Genes: BSCL2 (BSCL2 lipid droplet biogenesis associated, seipin; minus strand), HNRNPUL2-BSCL2 (HNRNPUL2-BSCL2 readthrough (NMD candidate); minus strand). Cytogenetic location: 11q12.3.
Variant type: single nucleotide variant.
Coding change: c.1152A>G on transcript NM_001122955.4 (MANE Select); coding-DNA position 1152, A replaced by G.
Protein change: p.Thr384=; no amino-acid change (threonine 384 retained).
Molecular consequence: synonymous variant. On other transcripts: non-coding transcript variant (1), missense variant (1).
Genome position (GRCh38, 1-based): chr11:62,690,788, T>C on the plus strand (A>G on the coding strand, the complement: BSCL2 is on the minus strand). VCF-style: chr11-62690788-T-C. GRCh37 (hg19) VCF-style: chr11-62458260-T-C.
Other names: c.818A>G, p.Gln273Arg (NM_001130702.2); c.1158A>G, p.Thr386= (NM_001386027.1); c.1152A>G, p.Thr384= (NM_001386028.1); c.960A>G, p.Thr320= (NM_032667.6); short protein forms Q273R.
Identifiers: ClinVar variation 2024913 (VCV002024913.4), dbSNP rs1162682087, ClinGen allele CA380956489.